The following is an entry in ClinVar:

ClinVar aggregate classification (germline): Uncertain significance. Review status: criteria provided, multiple submitters, no conflicts (2 of 4 stars). 2 submissions from 2 submitters: Uncertain significance (2). Last evaluated 2025-09-07.

Conditions:
Oligodontia-cancer predisposition syndrome. Also called: TOOTH AGENESIS-COLORECTAL CANCER SYNDROME. Identifiers: Orphanet 300576, MedGen C1837750, MONDO:0012075, OMIM 608615. Disease mechanism: loss of function.
Hereditary cancer-predisposing syndrome. Also called: Hereditary Cancer Syndrome; Tumor predisposition; Neoplastic Syndromes, Hereditary; Hereditary neoplastic syndrome. Identifiers: Orphanet 140162, MedGen C0027672, MeSH D009386, MONDO:0015356.

Submissions (2):

Ambry Genetics
Classification: Uncertain significance for Hereditary cancer-predisposing syndrome. Last evaluated: 2025-09-07. Review status: criteria provided, single submitter. Criteria: Ambry Variant Classification Scheme 2023. Collection method: clinical testing. Allele origin: germline.
Comment: The p.K448Q variant (also known as c.1342A>C), located in coding exon 5 of the AXIN2 gene, results from an A to C substitution at nucleotide position 1342. The lysine at codon 448 is replaced by glutamine, an amino acid with similar properties. This amino acid position is conserved. In addition, the in silico prediction for this alteration is inconclusive. Since supporting evidence is limited at this time, the clinical significance of this alteration remains unclear.

Labcorp Genetics (formerly Invitae), Labcorp
Classification: Uncertain significance for Oligodontia-cancer predisposition syndrome. Last evaluated: 2021-08-24. Review status: criteria provided, single submitter. Criteria: Invitae Variant Classification Sherloc (09022015). Collection method: clinical testing. Allele origin: germline.
Comment: This sequence change replaces lysine with glutamine at codon 448 of the AXIN2 protein (p.Lys448Gln). The lysine residue is highly conserved and there is a small physicochemical difference between lysine and glutamine. This variant is not present in population databases (ExAC no frequency). This variant has not been reported in the literature in individuals affected with AXIN2-related conditions. Algorithms developed to predict the effect of missense changes on protein structure and function (SIFT, PolyPhen-2, Align-GVGD) all suggest that this variant is likely to be disruptive. In summary, the available evidence is currently insufficient to determine the role of this variant in disease. Therefore, it has been classified as a Variant of Uncertain Significance.

NM_004655.4(AXIN2):c.1342A>C (p.Lys448Gln)

Gene: AXIN2 (axin 2; minus strand). Cytogenetic location: 17q24.1.
Variant type: single nucleotide variant.
Coding change: c.1342A>C on transcript NM_004655.4 (MANE Select); coding-DNA position 1342, A replaced by C.
Protein change: p.Lys448Gln; replaces lysine 448 with glutamine.
Molecular consequence: missense variant.
Genome position (GRCh38, 1-based): chr17:65,537,694, T>G on the plus strand (A>C on the coding strand, the complement: AXIN2 is on the minus strand). VCF-style: chr17-65537694-T-G. GRCh37 (hg19) VCF-style: chr17-63533812-T-G.
Other names: c.1342A>C, p.Lys448Gln (NM_001363813.1); short protein forms K448Q.
Identifiers: ClinVar variation 863705 (VCV000863705.9), dbSNP rs2043958334, ClinGen allele CA400677690.
Genomic context (GRCh38, chr17:65,537,694, plus strand): 5'-CCGGGGAGCGGGAGCGGGGGCTATAGCGGCCTACGCCTGGAGACTGGCAGCCAGGGGTCT[T>G]GAGGACCCTGGACAGGTGATCGTCCAGTATCGTCTGCGGGTCTTCCTCGTAGCTGCCGGA-3'
Protein context (NP_004646.3, residues 438-458): ILDDHLSRVL[Lys448Gln]TPGCQSPGVG